The following is an entry in ClinVar:

NM_003108.4(SOX11):c.556G>T (p.Ala186Ser)

Gene: SOX11 (SRY-box transcription factor 11; plus strand). Cytogenetic location: 2p25.2.
Variant type: single nucleotide variant.
Coding change: c.556G>T on transcript NM_003108.4 (MANE Select); coding-DNA position 556, G replaced by T.
Protein change: p.Ala186Ser; replaces alanine 186 with serine.
Molecular consequence: missense variant.
Genome position (GRCh38, 1-based): chr2:5,693,277, G>T. VCF-style: chr2-5693277-G-T. GRCh37 (hg19) VCF-style: chr2-5833409-G-T.
Other names: c.556G>T (NM_003108.3); short protein forms A186S.
Identifiers: ClinVar variation 1937215 (VCV001937215.3), dbSNP rs1665668616, ClinGen allele CA345866961.
Genomic context (GRCh38, chr2:5,693,277, plus strand): 5'-AAATGCGGCAAGCTCAAGGCCCCCGCGGCCGCGGGCGCCAAGGCGGGCGCGGGCAAGGCG[G>T]CCCAGTCCGGGGACTACGGGGGCGCGGGCGACGACTACGTGCTGGGCAGCCTGCGCGTGA-3'
Protein context (NP_003099.1, residues 176-196): AGAKAGAGKA[Ala186Ser]QSGDYGGAGD

ClinVar aggregate classification (germline): Uncertain significance. Review status: criteria provided, multiple submitters, no conflicts (2 of 4 stars). 2 submissions from 2 submitters: Uncertain significance (2). Last evaluated 2024-11-15.

Conditions:
Inborn genetic diseases. Identifiers: MedGen C0950123, MeSH D030342.

Allele frequency attached by ClinVar (database versions not stated): gnomAD 0.00001.
gnomAD v4.1: 3 of 1,448,488 alleles (0.00021%); highest among the groups gnomAD compares: Non-Finnish European, 0.00027%; no homozygotes.

Submissions (2):

Ambry Genetics
Classification: Uncertain significance for Inborn genetic diseases. Last evaluated: 2024-11-15. Review status: criteria provided, single submitter. Criteria: Ambry Variant Classification Scheme 2023. Collection method: clinical testing. Allele origin: germline.

Labcorp Genetics (formerly Invitae), Labcorp
Classification: Uncertain significance. Last evaluated: 2021-05-29. Review status: criteria provided, single submitter. Criteria: Invitae Variant Classification Sherloc (09022015). Collection method: clinical testing. Allele origin: germline.
Comment: This sequence change replaces alanine with serine at codon 186 of the SOX11 protein (p.Ala186Ser). The alanine residue is highly conserved and there is a moderate physicochemical difference between alanine and serine. The frequency data for this variant in the population databases is considered unreliable, as metrics indicate insufficient coverage at this position in the ExAC database. This variant has not been reported in the literature in individuals with SOX11-related conditions. Algorithms developed to predict the effect of missense changes on protein structure and function (SIFT, PolyPhen-2, Align-GVGD) all suggest that this variant is likely to be tolerated, but these predictions have not been confirmed by published functional studies and their clinical significance is uncertain. In summary, the available evidence is currently insufficient to determine the role of this variant in disease. Therefore, it has been classified as a Variant of Uncertain Significance.